The following is an entry in ClinVar:

NM_080425.4(GNAS):c.1796G>C (p.Arg599Pro)

Gene: GNAS (GNAS complex locus; plus strand). Cytogenetic location: 20q13.32.
Variant type: single nucleotide variant.
Coding change: c.1796G>C on transcript NM_080425.4 (MANE Plus Clinical); coding-DNA position 1796, G replaced by C.
Protein change: p.Arg599Pro; replaces arginine 599 with proline.
Molecular consequence: missense variant. On other transcripts: intron variant (3).
Genome position (GRCh38, 1-based): chr20:58,855,061, G>C. VCF-style: chr20-58855061-G-C. GRCh37 (hg19) VCF-style: chr20-57430116-G-C.
Other names: c.1609G>C, p.Ala537Pro (NM_001077490.3, NM_001309883.1); c.1796G>C, p.Arg599Pro (NM_001410913.1); c.*42+14175G>C (NM_016592.5); c.43+14175G>C (NM_001410912.1); c.-39+13186G>C (NM_001309861.2); short protein forms R599P, A537P.
Identifiers: ClinVar variation 4982896 (VCV004982896.1).
Genomic context (GRCh38, chr20:58,855,061, plus strand): 5'-ACGAGTCCGACGATGGGACCTCCGGATGCCTCCGCTGGTTTCAGCATCGGCGAAATCGCC[G>C]CCGCCGAAAGCCCCAGCGCAACTTACTCCGCAACTTTCTCGTGCAAGCCTTCGGGGGCTG-3'
Protein context (NP_536350.2, residues 589-609): LRWFQHRRNR[Arg599Pro]RRKPQRNLLR

ClinVar aggregate classification (germline): Uncertain significance (1 of 4 stars; one submission).

Conditions:
GNAS-related disorder. Identifiers: MedGen CN380105.

gnomAD v4.1: 45 of 1,612,972 alleles (0.0028%); highest among the groups gnomAD compares: Non-Finnish European, 0.0038%; no homozygotes.

Submission:

PreventionGenetics, part of Exact Sciences
Classification: Uncertain significance for GNAS-related condition. Last evaluated: 2025-04-14. Review status: criteria provided, single submitter. Criteria: ACMG Guidelines, 2015. Collection method: clinical testing. Allele origin: germline.
Comment: The GNAS c.1796G>C variant is predicted to result in the amino acid substitution p.Arg599Pro. This variant occurs in the pre-coding region of the primary GNAS transcript (NM_000516: c.-36666G>C). To our knowledge, this variant has not been reported in the literature. This variant is reported in 0.00090% of alleles in individuals of European (Non-Finnish) descent in gnomAD. At this time, the clinical significance of this variant is uncertain due to the absence of conclusive functional and genetic evidence.